The following is an entry in ClinVar:

NM_020884.7(MYH7B):c.1210C>T (p.His404Tyr)

Gene: MYH7B (myosin heavy chain 7B; plus strand). Cytogenetic location: 20q11.22.
Variant type: single nucleotide variant.
Coding change: c.1210C>T on transcript NM_020884.7 (MANE Select); coding-DNA position 1210, C replaced by T.
Protein change: p.His404Tyr; replaces histidine 404 with tyrosine.
Molecular consequence: missense variant.
Genome position (GRCh38, 1-based): chr20:34,987,619, C>T. VCF-style: chr20-34987619-C-T. GRCh37 (hg19) VCF-style: chr20-33575422-C-T.
Other names: c.1336C>T (NM_020884.4, NM_020884.3); short protein forms H404Y.
Identifiers: ClinVar variation 1475935 (VCV001475935.11), dbSNP rs200232362, ClinGen allele CA9826856.
Genomic context (GRCh38, chr20:34,987,619, plus strand): 5'-GCTGACAAGGCTGCCTACCTGATGGGGGTCAGCAGTGGGGACCTCCTCAAAGGCCTTTTG[C>T]ACCCCCGGGTGCGTGTAGGGAACGAGTACGTGACCAAGGGCCAGAGTGTGGAGCAGGTGA-3'
Protein context (NP_065935.4, residues 394-414): SSGDLLKGLL[His404Tyr]PRVRVGNEYV

ClinVar aggregate classification (germline): Uncertain significance. Review status: criteria provided, multiple submitters, no conflicts (2 of 4 stars). 4 submissions from 4 submitters: Uncertain significance (4). Last evaluated 2026-05-13.

Conditions:
MYH7B-related disorder. Also called: MYH7B-related condition.

Allele frequency attached by ClinVar (database versions not stated): 1000 Genomes Project 30x 0.00016; 1000 Genomes Project 0.00020; ExAC 0.00034; gnomAD 0.00045 and 0.00048; gnomAD exomes 0.00045 and 0.00075; TOPMed 0.00056; ESP Exome Variant Server 0.00120.

Submissions (4):

PreventionGenetics, part of Exact Sciences
Classification: Uncertain significance for MYH7B-related condition. Last evaluated: 2026-05-13. Review status: criteria provided, single submitter. Criteria: ACMG Guidelines, 2015. Collection method: clinical testing. Allele origin: germline.
Comment: The MYH7B c.1336C>T variant is predicted to result in the amino acid substitution p.His446Tyr. To our knowledge, this variant has not been reported in the literature. This variant is reported in 0.088% of alleles in individuals of Latino descent in gnomAD. Although we suspect that this variant may be benign, at this time, the clinical significance of this variant is uncertain due to the absence of conclusive functional and genetic evidence.

Labcorp Genetics (formerly Invitae), Labcorp
Classification: Uncertain significance. Last evaluated: 2026-01-05. Review status: criteria provided, single submitter. Criteria: Invitae Variant Classification Sherloc (09022015). Collection method: clinical testing. Allele origin: germline.
Comment: This sequence change replaces histidine, which is basic and polar, with tyrosine, which is neutral and polar, at codon 446 of the MYH7B protein (p.His446Tyr). This variant is present in population databases (rs200232362, gnomAD 0.09%), and has an allele count higher than expected for a pathogenic variant. This variant has not been reported in the literature in individuals affected with MYH7B-related conditions. ClinVar contains an entry for this variant (Variation ID: 1475935). Invitae Evidence Modeling of protein sequence and biophysical properties (such as structural, functional, and spatial information, amino acid conservation, physicochemical variation, residue mobility, and thermodynamic stability) indicates that this missense variant is not expected to disrupt MYH7B protein function with a negative predictive value of 80%. In summary, the available evidence is currently insufficient to determine the role of this variant in disease. Therefore, it has been classified as a Variant of Uncertain Significance.

Ambry Genetics
Classification: Uncertain significance. Last evaluated: 2021-07-09. Review status: criteria provided, single submitter. Criteria: Ambry Variant Classification Scheme 2023. Collection method: clinical testing. Allele origin: germline.

Breakthrough Genomics
Classification: Uncertain significance. Review status: criteria provided, single submitter. Criteria: ACMG Guidelines, 2015. Collection method: not provided. Allele origin: germline. Inheritance: Autosomal dominant inheritance. Affected: yes.